The following is an entry in ClinVar:

NM_001556.3(IKBKB):c.1097C>T (p.Pro366Leu)

Gene: IKBKB (inhibitor of nuclear factor kappa B kinase subunit beta; plus strand). Cytogenetic location: 8p11.21.
Variant type: single nucleotide variant.
Coding change: c.1097C>T on transcript NM_001556.3 (MANE Select); coding-DNA position 1097, C replaced by T.
Protein change: p.Pro366Leu; replaces proline 366 with leucine.
Molecular consequence: missense variant. On other transcripts: non-coding transcript variant (3).
Genome position (GRCh38, 1-based): chr8:42,316,876, C>T. VCF-style: chr8-42316876-C-T. GRCh37 (hg19) VCF-style: chr8-42174394-C-T.
Other names: c.905C>T, p.Pro302Leu (NM_001190720.3); c.920C>T, p.Pro307Leu (NM_001242778.2); short protein forms P307L, P366L, P302L.
Identifiers: ClinVar variation 861970 (VCV000861970.4), dbSNP rs763596106, ClinGen allele CA4731878.
Genomic context (GRCh38, chr8:42,316,876, plus strand): 5'-TCCCAGAGGAGGACCAGGAGCTGCTGCAGGAAGCGGGCCTGGCGTTGATCCCCGATAAGC[C>T]TGCCACTCAGTGTATTTCAGACGGCAAGGTGAGCCCTGGCTTCGTACACACCATCCTGTT-3'
Protein context (NP_001547.1, residues 356-376): EAGLALIPDK[Pro366Leu]ATQCISDGKL

ClinVar aggregate classification (germline): Uncertain significance (1 of 4 stars; one submission).

Conditions:
Severe combined immunodeficiency due to IKK2 deficiency. Also called: IMMUNODEFICIENCY 15B; Immunodeficiency 15. Identifiers: Orphanet 397787, MedGen C4747743, MONDO:0014267, OMIM 615592.

Allele frequency attached by ClinVar (database versions not stated): gnomAD exomes 0.00001 and 0.00002; ExAC 0.00003.
gnomAD v4.1: 10 of 1,614,142 alleles (0.00062%); highest among the groups gnomAD compares: South Asian, 0.0088%; no homozygotes.

Submission:

Labcorp Genetics (formerly Invitae), Labcorp
Classification: Uncertain significance for Severe combined immunodeficiency due to IKK2 deficiency. Last evaluated: 2021-09-02. Review status: criteria provided, single submitter. Criteria: Invitae Variant Classification Sherloc (09022015). Collection method: clinical testing. Allele origin: germline.
Comment: This sequence change replaces proline with leucine at codon 366 of the IKBKB protein (p.Pro366Leu). The proline residue is highly conserved and there is a moderate physicochemical difference between proline and leucine. This variant is present in population databases (rs763596106, ExAC 0.02%). This variant has not been reported in the literature in individuals affected with IKBKB-related conditions. Algorithms developed to predict the effect of missense changes on protein structure and function are either unavailable or do not agree on the potential impact of this missense change (SIFT: "Deleterious"; PolyPhen-2: "Benign"; Align-GVGD: "Class C0"). In summary, the available evidence is currently insufficient to determine the role of this variant in disease. Therefore, it has been classified as a Variant of Uncertain Significance.